The following is an entry in ClinVar:

ClinVar aggregate classification (germline): Benign/Likely benign. Review status: criteria provided, multiple submitters, no conflicts (2 of 4 stars). 3 submissions from 3 submitters: Benign (1); Likely benign (2). Last evaluated 2024-11-22.

Conditions:
Papillary renal cell carcinoma type 1 (RCCP1). Also called: RENAL CELL CARCINOMA, PAPILLARY, 1, SOMATIC; Renal adenocarcinoma; Renal cell carcinoma 1; Renal cell carcinoma, somatic. Identifiers: Orphanet 47044, MedGen C1336839, OMIM 605074, HP:0011797.
Renal cell carcinoma. Identifiers: Orphanet 217071, MedGen C0007134, MeSH D002292, MONDO:0005086, HP:0005584.
Hereditary cancer-predisposing syndrome. Also called: Tumor predisposition; Neoplastic Syndromes, Hereditary; Hereditary Cancer Syndrome; Hereditary neoplastic syndrome. Identifiers: Orphanet 140162, MedGen C0027672, MeSH D009386, MONDO:0015356.

Allele frequency attached by ClinVar (database versions not stated): gnomAD exomes below 0.00001; TOPMed below 0.00001; gnomAD 0.00001.
gnomAD v4.1: 6 of 1,614,032 alleles (0.00037%); highest among the groups gnomAD compares: Non-Finnish European, 0.00051%; no homozygotes.

Submissions (3):

Labcorp Genetics (formerly Invitae), Labcorp
Classification: Likely benign for Renal cell carcinoma. Last evaluated: 2024-11-22. Review status: criteria provided, single submitter. Criteria: Invitae Variant Classification Sherloc (09022015). Collection method: clinical testing. Allele origin: germline.

Myriad Genetics, Inc.
Classification: Benign for Papillary renal cell carcinoma type 1. Last evaluated: 2024-11-07. Review status: criteria provided, single submitter. Criteria: Myriad Autosomal Dominant, Autosomal Recessive and X-Linked Classification Criteria (2023). Collection method: clinical testing. Allele origin: unknown.
Comment: This variant is considered benign. This variant is a silent/synonymous amino acid change and it is not expected to impact splicing.

Ambry Genetics
Classification: Likely benign for Hereditary cancer-predisposing syndrome. Last evaluated: 2021-05-20. Review status: criteria provided, single submitter. Criteria: Ambry Variant Classification Scheme 2023. Collection method: clinical testing. Allele origin: germline.

NM_000245.4(MET):c.1266A>G (p.Thr422=)

Gene: MET (MET proto-oncogene, receptor tyrosine kinase; plus strand). Cytogenetic location: 7q31.2.
Variant type: single nucleotide variant.
Coding change: c.1266A>G on transcript NM_000245.4 (MANE Select); coding-DNA position 1266, A replaced by G.
Protein change: p.Thr422=; no amino-acid change (threonine 422 retained).
Molecular consequence: synonymous variant. On other transcripts: 5 prime UTR variant (1).
Genome position (GRCh38, 1-based): chr7:116,731,733, A>G. VCF-style: chr7-116731733-A-G. GRCh37 (hg19) VCF-style: chr7-116371787-A-G.
Other names: c.1266A>G, p.Thr422= (NM_001127500.3, NM_001324401.3); c.-25A>G (NM_001324402.2).
Identifiers: ClinVar variation 1101350 (VCV001101350.12), dbSNP rs1407970053, ClinGen allele CA457215149.
Genomic context (GRCh38, chr7:116,731,733, plus strand): 5'-TCTGAGAAATTCATCAGGCTGTGAAGCGCGCCGTGATGAATATCGAACAGAGTTTACCAC[A>G]GCTTTGCAGCGCGTTGACTTATTCATGGGTCAATTCAGCGAAGTCCTCTTAACATCTATA-3'
Protein context (NP_000236.2, residues 412-432): RRDEYRTEFT[Thr422=]ALQRVDLFMG